The following is an entry in ClinVar:

NM_001031685.3(TP53BP2):c.369C>T (p.Asn123=)

Gene: TP53BP2 (tumor protein p53 binding protein 2; minus strand). Cytogenetic location: 1q41.
Variant type: single nucleotide variant.
Coding change: c.369C>T on transcript NM_001031685.3 (MANE Select); coding-DNA position 369, C replaced by T.
Protein change: p.Asn123=; no amino-acid change (asparagine 123 retained).
Molecular consequence: synonymous variant. On other transcripts: 5 prime UTR variant (1).
Genome position (GRCh38, 1-based): chr1:223,810,434, G>A on the plus strand (C>T on the coding strand, the complement: TP53BP2 is on the minus strand). VCF-style: chr1-223810434-G-A. GRCh37 (hg19) VCF-style: chr1-223998136-G-A.
Other names: c.-19C>T (NM_005426.3).
Identifiers: ClinVar variation 3042310 (VCV003042310.2), dbSNP rs202154655, ClinGen allele CA1413151.
Genomic context (GRCh38, chr1:223,810,434, plus strand): 5'-AGTTAAAAAATATGTATCACTGTGGTATATACAGTATGGATAAAAACAACAACTTACACC[G>A]TTCTCCTTTCTTCGATATTCACCAGGAACTTTTACACCATTTCTTTTTAAACTTGGATCC-3'
Protein context (NP_001026855.2, residues 113-133): KVPGEYRRKE[Asn123=]GVNSPRMDLT

ClinVar aggregate classification (germline): Likely benign (0 of 4 stars; one submission).

Conditions:
TP53BP2-related disorder. Also called: TP53BP2-related condition.

Allele frequency attached by ClinVar (database versions not stated): gnomAD 0.00107; TOPMed 0.00110; gnomAD exomes 0.00123; ESP Exome Variant Server 0.00127; ExAC 0.00212.
gnomAD v4.1: 1,940 of 1,606,190 alleles (0.12%); highest among the groups gnomAD compares: Non-Finnish European, 0.15%; 1 homozygote.

Submission:

PreventionGenetics, part of Exact Sciences
Classification: Likely benign for TP53BP2-related condition. Last evaluated: 2019-03-05. Review status: no assertion criteria provided. Collection method: clinical testing. Allele origin: germline.
Comment: This variant is classified as likely benign based on ACMG/AMP sequence variant interpretation guidelines (Richards et al. 2015 PMID: 25741868, with internal and published modifications).